The following is an entry in ClinVar:

NM_000136.3(FANCC):c.802T>C (p.Cys268Arg)

Genes: AOPEP (aminopeptidase O (putative); plus strand), FANCC (FA complementation group C; minus strand). Cytogenetic location: 9q22.32.
Variant type: single nucleotide variant.
Coding change: c.802T>C on transcript NM_000136.3 (MANE Select); coding-DNA position 802, T replaced by C.
Protein change: p.Cys268Arg; replaces cysteine 268 with arginine.
Molecular consequence: missense variant.
Genome position (GRCh38, 1-based): chr9:95,135,387, A>G on the plus strand (T>C on the coding strand, the complement: FANCC is on the minus strand). VCF-style: chr9-95135387-A-G. GRCh37 (hg19) VCF-style: chr9-97897669-A-G.
Other names: c.802T>C, p.Cys268Arg (NM_001243743.2, NM_001243744.2); short protein forms C268R.
Identifiers: ClinVar variation 3512796 (VCV003512796.1).
Genomic context (GRCh38, chr9:95,135,387, plus strand): 5'-ATCAAAACCCAGTACGTACCAGCGATGAATCTTTTATAAAGCATTCGATCCTTCTCAGAC[A>G]ATTTCTCTCACTGGAGATTAGCTTTTCAAAAAGATGCAGCATTGCTTTTTCAAGGCTGGG-3'
Protein context (NP_000127.2, residues 258-278): FEKLISSERN[Cys268Arg]LRRIECFIKD

ClinVar aggregate classification (germline): Uncertain significance (1 of 4 stars; one submission).

Conditions:
Hereditary cancer-predisposing syndrome. Also called: Tumor predisposition; Neoplastic Syndromes, Hereditary; Hereditary Cancer Syndrome; Hereditary neoplastic syndrome. Identifiers: Orphanet 140162, MedGen C0027672, MeSH D009386, MONDO:0015356.

gnomAD v4.1: 1 of 1,614,100 alleles (0.000062%); highest among the groups gnomAD compares: South Asian, 0.0011%; no homozygotes.

Submission:

Ambry Genetics
Classification: Uncertain significance for Hereditary cancer-predisposing syndrome. Last evaluated: 2024-10-13. Review status: criteria provided, single submitter. Criteria: Ambry Variant Classification Scheme 2023. Collection method: clinical testing. Allele origin: germline.
Comment: The p.C268R variant (also known as c.802T>C), located in coding exon 7 of the FANCC gene, results from a T to C substitution at nucleotide position 802. The cysteine at codon 268 is replaced by arginine, an amino acid with highly dissimilar properties. This amino acid position is conserved. In addition, this alteration is predicted to be tolerated by in silico analysis. Based on the available evidence, the clinical significance of this variant remains unclear.